The following is an entry in ClinVar:

NM_001145809.2(MYH14):c.3133del (p.Leu1045fs)

Gene: MYH14 (myosin heavy chain 14; plus strand). Cytogenetic location: 19q13.33.
Variant type: Deletion.
Coding change: c.3133del on transcript NM_001145809.2 (MANE Select); coding-DNA position 3133, one base deleted (C; older notation c.3133delC).
Protein change: p.Leu1045fs; shifts the reading frame from leucine 1045.
Molecular consequence: frameshift variant.
Genome position (GRCh38, 1-based): chr19:50,271,508, C deleted; the last of 2 consecutive C bases (chr19:50,271,507-50,271,508); deleting either gives the same sequence. VCF-style (leftmost placement, unchanged base first): chr19-50271506-AC-A. GRCh37 (hg19) VCF-style: chr19-50774763-AC-A.
Other names: c.3034del, p.Leu1012fs (NM_001077186.2); c.3010del, p.Leu1004fs (NM_024729.4); short protein forms L1004fs, L1012fs, L1045fs.
Identifiers: ClinVar variation 4852128 (VCV004852128.2).
Genomic context (GRCh38, chr19:50,271,506, plus strand): 5'-GGCAGAAGCTGCAGCTGGAGAAGGTGACGACAGAGGCAAAAATGAAGAAATTTGAAGAGG[AC>A]CTGCTGCTCCTGGAAGACCAGAATTCCAAGCTGAGCAAGGTTGGGGGCCTGAGGGCAGCT-3'

ClinVar aggregate classification (germline): Likely pathogenic (1 of 4 stars; one submission).

Conditions:
Autosomal dominant nonsyndromic hearing loss 4A. Also called: Deafness, autosomal dominant 4A. Identifiers: Orphanet 90635, MedGen C1833503, MONDO:0010915, OMIM 600652.

Submission:

Laboratory of Molecular, Cellular and Translation Genetics in Otolaryngology/ Lim32-hcfmusp, University of Sao Paulo School of Medicine Clinics Hospital
Classification: Likely pathogenic for Autosomal dominant nonsyndromic hearing loss 4A. Last evaluated: 2026-04-30. Review status: criteria provided, single submitter. Criteria: ACMG Guidelines, 2015. Collection method: research. Allele origin: germline. Affected: yes.
Comment: NM_001145809.1:c.3133delC:p.(Leu1045Cysfs*11). This variant has been classified as likely pathogenic. It is absent from population databases (PM2) and is a frameshift (loss-of-function) variant in MYH14, a gene in which loss of function is an established disease mechanism (PVS1). Although the presence of this likely pathogenic MYH14 variant may suggest a potential association with the phenotype, the available evidence remains insufficient to establish a definitive causal role for this variant in the proband.

Literature cited by the submitters: PubMed 42233699.